The following is an entry in ClinVar:

NM_017654.4(SAMD9):c.2729T>C (p.Ile910Thr)

Gene: SAMD9 (sterile alpha motif domain containing 9; minus strand). Cytogenetic location: 7q21.2.
Variant type: single nucleotide variant.
Coding change: c.2729T>C on transcript NM_017654.4 (MANE Select); coding-DNA position 2729, T replaced by C.
Protein change: p.Ile910Thr; replaces isoleucine 910 with threonine.
Molecular consequence: missense variant.
Genome position (GRCh38, 1-based): chr7:93,103,369, A>G on the plus strand (T>C on the coding strand, the complement: SAMD9 is on the minus strand). VCF-style: chr7-93103369-A-G. GRCh37 (hg19) VCF-style: chr7-92732682-A-G.
Other names: c.2729T>C, p.Ile910Thr (NM_001193307.2); short protein forms I910T.
Identifiers: ClinVar variation 4863823 (VCV004863823.1).

ClinVar aggregate classification (germline): Uncertain significance (1 of 4 stars; one submission).

Conditions:
Inborn genetic diseases. Identifiers: MedGen C0950123, MeSH D030342.

Submission:

Ambry Genetics
Classification: Uncertain significance for Inborn genetic diseases. Last evaluated: 2026-04-22. Review status: criteria provided, single submitter. Criteria: Ambry Variant Classification Scheme 2023. Collection method: clinical testing. Allele origin: germline.
Comment: The p.I910T variant (also known as c.2729T>C), located in coding exon 1 of the SAMD9 gene, results from a T to C substitution at nucleotide position 2729. The isoleucine at codon 910 is replaced by threonine, an amino acid with similar properties. This amino acid position is conserved. In addition, this alteration is predicted to be tolerated by in silico analysis. Based on the available evidence, the clinical significance of this variant remains unclear.